The following is an entry in ClinVar:

ClinVar aggregate classification (germline): Uncertain significance. Review status: criteria provided, multiple submitters, no conflicts (2 of 4 stars). 2 submissions from 2 submitters: Uncertain significance (2). Last evaluated 2025-06-30.

gnomAD v4.1: 3 of 1,211,606 alleles (0.00025%); highest among the groups gnomAD compares: Non-Finnish European, 0.00022%; no homozygotes.

Submissions (2):

Women's Health and Genetics/Laboratory Corporation of America, LabCorp
Classification: Uncertain significance. Last evaluated: 2025-06-30. Review status: criteria provided, single submitter. Criteria: LabCorp Variant Classification Summary - May 2015. Collection method: clinical testing. Allele origin: germline.
Comment: Variant summary: F8 c.2309C>G (p.Thr770Ser) results in a conservative amino acid change in the encoded protein sequence. Algorithms developed to predict the effect of missense changes on protein structure and function are either unavailable or do not agree on the potential impact of this missense change. The variant was absent in 183020 control chromosomes (gnomAD). The available data on variant occurrences in the general population are insufficient to allow any conclusion about variant significance. c.2309C>G has been observed in an individual affected with Factor VIII Deficiency (Hemophilia A)(Bogdanova_2007). These data do not allow any conclusion about variant significance. At least one publication reports experimental evidence evaluating an impact on protein function (Ogata_2011). These results showed no damaging effect of this variant. The following publications have been ascertained in the context of this evaluation (PMID: 16972227, 21645226). ClinVar contains an entry for this variant (Variation ID: 3257250). Based on the evidence outlined above, the variant was classified as uncertain significance.

CeGaT Center for Human Genetics Tuebingen
Classification: Uncertain significance. Last evaluated: 2024-07-01. Review status: criteria provided, single submitter. Criteria: CeGaT Center For Human Genetics Tuebingen Variant Classification Criteria Version 2. Collection method: clinical testing. Allele origin: germline. Affected: yes. Observed: 1 variant allele.
Comment: F8: PM2

Literature cited by the submitters: PubMed 21645226 (cited by Women's Health and Genetics/Laboratory Corporation of America, LabCorp); PubMed 16972227 (cited by Women's Health and Genetics/Laboratory Corporation of America, LabCorp).

NM_000132.4(F8):c.2309C>G (p.Thr770Ser)

Gene: F8 (coagulation factor VIII; minus strand). Cytogenetic location: Xq28.
Variant type: single nucleotide variant.
Coding change: c.2309C>G on transcript NM_000132.4 (MANE Select); coding-DNA position 2309, C replaced by G.
Protein change: p.Thr770Ser; replaces threonine 770 with serine.
Molecular consequence: missense variant.
Genome position (GRCh38, 1-based): chrX:154,931,481, G>C on the plus strand (C>G on the coding strand, the complement: F8 is on the minus strand). VCF-style: chrX-154931481-G-C. GRCh37 (hg19) VCF-style: chrX-154159756-G-C.
Other names: short protein forms T770S.
Identifiers: ClinVar variation 3257250 (VCV003257250.18).